The following is an entry in ClinVar:

NM_000492.4(CFTR):c.441_442del (p.Ile148fs)

Gene: CFTR (CF transmembrane conductance regulator; plus strand). Cytogenetic location: 7q31.2.
Variant type: Microsatellite.
Coding change: c.441_442del on transcript NM_000492.4 (MANE Select); coding-DNA positions 441 to 442, 2 bases deleted (CA; older notation c.441_442delCA).
Protein change: p.Ile148fs; shifts the reading frame from isoleucine 148.
Molecular consequence: frameshift variant.
Genome position (GRCh38, 1-based): chr7:117,531,066-117,531,067, CA deleted; deleting any 2 consecutive bases within chr7:117,531,064-117,531,067 gives the same sequence; the c. name uses the placement nearest the transcript's 3' end. VCF-style (leftmost placement, unchanged base first): chr7-117531063-TCA-T. GRCh37 (hg19) VCF-style: chr7-117171117-TCA-T.
Other names: short protein forms I148fs.
Identifiers: ClinVar variation 1726896 (VCV001726896.2), dbSNP rs2485009643, ClinGen allele CA2580617094.
Genomic context (GRCh38, chr7:117,531,063, plus strand): 5'-CTTATGCCTTCTCTTTATTGTGAGGACACTGCTCCTACACCCAGCCATTTTTGGCCTTCA[TCA>T]CATTGGAATGCAGATGAGAATAGCTATGTTTAGTTTGATTTATAAGAAGGTAATACTTCC-3'

ClinVar aggregate classification (germline): Likely pathogenic (1 of 4 stars; one submission).

Conditions:
Cystic fibrosis (CF). Also called: MUCOVISCIDOSIS. Identifiers: Orphanet 586, MedGen C0010674, MONDO:0009061, OMIM 219700. Disease mechanism: loss of function.

Submission:

Myriad Genetics, Inc.
Classification: Likely pathogenic for Cystic fibrosis. Last evaluated: 2022-01-02. Review status: criteria provided, single submitter. Criteria: Myriad Women's Health Autosomal Recessive and X-Linked Classification Criteria (2021). Collection method: clinical testing. Allele origin: unknown.
Comment: NM_000492.3(CFTR):c.441_442delCA(I148Wfs*10) is expected to be pathogenic in the context of cystic fibrosis. This variant is predicted to lead to an abnormal or absent protein product due to the creation of a premature termination codon in CFTR, a gene where loss-of-function variants are known to be pathogenic. Please note: this variant was assessed in the context of healthy population screening.